The following is an entry in ClinVar:

NM_032043.3(BRIP1):c.3722dup (p.Asn1241fs)

Gene: BRIP1 (BRCA1 interacting DNA helicase 1; minus strand). Cytogenetic location: 17q23.2.
Variant type: Duplication.
Coding change: c.3722dup on transcript NM_032043.3 (MANE Select); coding-DNA position 3722, one base duplicated (A; older notation c.3722dupA).
Protein change: p.Asn1241fs; shifts the reading frame from asparagine 1241.
Molecular consequence: frameshift variant.
Genome position (GRCh38, 1-based): chr17:61,683,324, T duplicated on the plus strand (A on the coding strand, the reverse complement: BRIP1 is on the minus strand); the first of 5 consecutive T bases (chr17:61,683,324-61,683,328); duplicating any one gives the same sequence. VCF-style (leftmost placement, unchanged base first): chr17-61683323-A-AT. GRCh37 (hg19) VCF-style: chr17-59760684-A-AT.
Other names: c.3722dup (NM_032043.2); short protein forms N1241fs.
Identifiers: ClinVar variation 1712766 (VCV001712766.2), dbSNP rs2544551702, ClinGen allele CA2580094540.
Genomic context (GRCh38, chr17:61,683,323, plus strand): 5'-CATATTTTTACTTAGCTTGAGAGTTAAGTATTATTACTTAAAACCAGGAAACATGCCTTT[A>AT]TTTTTGGAAGGAGATGGTTTAAAGTTCTTTATTTCTATTTCATGAGTTTTTCCCAGTTCC-3'

ClinVar aggregate classification (germline): Uncertain significance (1 of 4 stars; one submission).

Submission:

GeneDx
Classification: Uncertain significance. Last evaluated: 2022-04-28. Review status: criteria provided, single submitter. Criteria: GeneDx Variant Classification Process June 2021. Collection method: clinical testing. Allele origin: germline. Affected: yes.
Comment: Frameshift variant predicted to result in protein truncation as the last 9 amino acids are replaced with 1 different amino acids, although loss-of-function variants have not been reported downstream of this position in the protein; Not observed at significant frequency in large population cohorts (gnomAD); Has not been previously published as pathogenic or benign to our knowledge